The following is an entry in ClinVar:

ClinVar aggregate classification (germline): Conflicting classifications of pathogenicity. Review status: criteria provided, conflicting classifications (1 of 4 stars). 6 submissions from 5 submitters: Uncertain significance (1); Likely benign (5). Last evaluated 2026-09-01.

Conditions:
Usher syndrome type 2A. Also called: RETINAL DISEASE IN USHER SYNDROME TYPE IIA, MODIFIER OF; USHER SYNDROME, TYPE IIA. Identifiers: Orphanet 231178, Orphanet 886, MedGen C1848634, MONDO:0010169, OMIM 276901.
Retinitis pigmentosa 39 (RP39). Identifiers: Orphanet 791, MedGen C3151138, MONDO:0013436, OMIM 613809.

Allele frequency attached by ClinVar (database versions not stated): gnomAD exomes 0.00006; ExAC 0.00007; TOPMed 0.00016; gnomAD 0.00017 and 0.00021; ESP Exome Variant Server 0.00023.
gnomAD v4.1: 58 of 1,613,676 alleles (0.0036%); highest among the groups gnomAD compares: African/African-American, 0.073%; no homozygotes.

Submissions (6):

CeGaT Center for Human Genetics Tuebingen
Classification: Uncertain significance. Last evaluated: 2026-09-01. Review status: criteria provided, single submitter. Criteria: CeGaT Center For Human Genetics Tuebingen Variant Classification Criteria Version 2. Collection method: clinical testing. Allele origin: germline. Affected: yes. Observed: 1 variant allele.
Comment: USH2A: PM2:Supporting, BP4

Labcorp Genetics (formerly Invitae), Labcorp
Classification: Likely benign. Last evaluated: 2026-01-19. Review status: criteria provided, single submitter. Criteria: Invitae Variant Classification Sherloc (09022015). Collection method: clinical testing. Allele origin: germline.

Genome-Nilou Lab
Classification: Likely benign for Retinitis pigmentosa 39. Last evaluated: 2023-11-04. Review status: criteria provided, single submitter. Criteria: ACMG Guidelines, 2015. Collection method: clinical testing. Allele origin: germline. Affected: no.

Genome-Nilou Lab
Classification: Likely benign for Usher syndrome type 2A. Last evaluated: 2023-11-04. Review status: criteria provided, single submitter. Criteria: ACMG Guidelines, 2015. Collection method: clinical testing. Allele origin: germline. Affected: no.

Blueprint Genetics
Classification: Likely benign. Last evaluated: 2022-09-21. Review status: criteria provided, single submitter. Criteria: ACMG Guidelines, 2015. Collection method: clinical testing. Allele origin: germline.

GeneDx
Classification: Likely benign. Last evaluated: 2020-06-17. Review status: criteria provided, single submitter. Criteria: GeneDx Variant Classification Process June 2021. Collection method: clinical testing. Allele origin: germline. Affected: yes.

NM_206933.4(USH2A):c.7491G>T (p.Val2497=)

Gene: USH2A (usherin; minus strand). Cytogenetic location: 1q41.
Variant type: single nucleotide variant.
Coding change: c.7491G>T on transcript NM_206933.4 (MANE Select); coding-DNA position 7491, G replaced by T.
Protein change: p.Val2497=; no amino-acid change (valine 2497 retained).
Molecular consequence: synonymous variant.
Genome position (GRCh38, 1-based): chr1:215,900,178, C>A on the plus strand (G>T on the coding strand, the complement: USH2A is on the minus strand). VCF-style: chr1-215900178-C-A. GRCh37 (hg19) VCF-style: chr1-216073520-C-A.
Identifiers: ClinVar variation 1087100 (VCV001087100.14), dbSNP rs142143100, ClinGen allele CA1394824.